The following is an entry in ClinVar:

ClinVar aggregate classification (germline): Uncertain significance (1 of 4 stars; one submission).

Conditions:
Familial hypercholesterolemia. Also called: Familial hypercholesterolaemia. Identifiers: MedGen C0020445, MONDO:0005439.

Submission:

Color Diagnostics, LLC DBA Color Health
Classification: Uncertain significance for Familial hypercholesterolemia. Last evaluated: 2024-08-19. Review status: criteria provided, single submitter. Criteria: ACMG Guidelines, 2015. Collection method: clinical testing. Allele origin: germline.
Comment: This variant causes an A>G nucleotide substitution at the -2 position of intron 3 of the PCSK9 gene. To our knowledge, functional studies have not been reported for this variant. This variant has not been reported in individuals affected with PCSK9-related disorders in the literature. This variant has not been identified in the general population by the Genome Aggregation Database (gnomAD). The available evidence is insufficient to determine the role of this variant in disease conclusively. Therefore, this variant is classified as a Variant of Uncertain Significance.

NM_174936.4(PCSK9):c.524-2A>G

Gene: PCSK9 (proprotein convertase subtilisin/kexin type 9; plus strand). Cytogenetic location: 1p32.3.
Variant type: single nucleotide variant.
Coding change: c.524-2A>G on transcript NM_174936.4 (MANE Select); the canonical splice acceptor site of the intron before coding-DNA position 524, A replaced by G.
Molecular consequence: splice acceptor variant.
Genome position (GRCh38, 1-based): chr1:55,052,276, A>G. VCF-style: chr1-55052276-A-G. GRCh37 (hg19) VCF-style: chr1-55517949-A-G.
Other names: c.149-2A>G (NM_001407246.1); c.647-2A>G (NM_001407240.1); c.524-2A>G (NM_001407242.1, NM_001407247.1, NM_001407241.1 and 1 more transcripts); c.467-2A>G (NM_001407243.1); c.332-2A>G (NM_001407245.1).
Identifiers: ClinVar variation 3894523 (VCV003894523.1).